The following is an entry in ClinVar:

ClinVar aggregate classification (germline): Uncertain significance (1 of 4 stars; one submission).

Allele frequency attached by ClinVar (database versions not stated): ExAC 0.00001; gnomAD exomes 0.00001; TOPMed 0.00002; gnomAD 0.00003.
gnomAD v4.1: 17 of 1,613,826 alleles (0.0011%); highest among the groups gnomAD compares: African/African-American, 0.0027%; no homozygotes.

Submission:

Labcorp Genetics (formerly Invitae), Labcorp
Classification: Uncertain significance. Last evaluated: 2023-10-28. Review status: criteria provided, single submitter. Criteria: Invitae Variant Classification Sherloc (09022015). Collection method: clinical testing. Allele origin: germline.
Comment: This sequence change replaces arginine, which is basic and polar, with tryptophan, which is neutral and slightly polar, at codon 1135 of the KMT2E protein (p.Arg1135Trp). This variant is present in population databases (rs537953429, gnomAD 0.002%). This variant has not been reported in the literature in individuals affected with KMT2E-related conditions. An algorithm developed to predict the effect of missense changes on protein structure and function (PolyPhen-2) suggests that this variant is likely to be disruptive. In summary, the available evidence is currently insufficient to determine the role of this variant in disease. Therefore, it has been classified as a Variant of Uncertain Significance.

NM_182931.3(KMT2E):c.3403C>T (p.Arg1135Trp)

Gene: KMT2E (lysine methyltransferase 2E (inactive); plus strand). Cytogenetic location: 7q22.3.
Variant type: single nucleotide variant.
Coding change: c.3403C>T on transcript NM_182931.3 (MANE Select); coding-DNA position 3403, C replaced by T.
Protein change: p.Arg1135Trp; replaces arginine 1135 with tryptophan.
Molecular consequence: missense variant.
Genome position (GRCh38, 1-based): chr7:105,107,860, C>T. VCF-style: chr7-105107860-C-T. GRCh37 (hg19) VCF-style: chr7-104748307-C-T.
Other names: c.3403C>T, p.Arg1135Trp (NM_001410908.1, NM_018682.4); short protein forms R1135W.
Identifiers: ClinVar variation 2872926 (VCV002872926.3), dbSNP rs537953429, ClinGen allele CA4424462.